The following is an entry in ClinVar:

ClinVar aggregate classification (germline): Likely pathogenic (1 of 4 stars; one submission).

Conditions:
Hereditary cancer-predisposing syndrome. Also called: Tumor predisposition; Hereditary Cancer Syndrome; Hereditary neoplastic syndrome; Neoplastic Syndromes, Hereditary. Identifiers: Orphanet 140162, MedGen C0027672, MeSH D009386, MONDO:0015356.

Submission:

Ambry Genetics
Classification: Likely pathogenic for Hereditary cancer-predisposing syndrome. Last evaluated: 2016-08-19. Review status: criteria provided, single submitter. Criteria: Ambry Variant Classification Scheme 2023. Collection method: clinical testing. Allele origin: germline.
Comment: The c.1725delC variant, located in coding exon 9 of the MEN1 gene, results from a deletion of one nucleotide at nucleotide position 1725, causing a translational frameshift with a predicted alternate stop codon. This frameshift occurs at the 3' terminus of MEN1, is not expected to trigger nonsense-mediated mRNA decay, and impacts only the last 35 amino acids of the protein. The exact functional impact of these altered amino acids is unknown at this time; however, this alteration disrupts an important MEN1 functional domain. This variant was not reported in population based cohorts in the following databases: Database of Single Nucleotide Polymorphisms (dbSNP), NHLBI Exome Sequencing Project (ESP), and 1000 Genomes Project. In the ESP, this variant was not observed in 6498 samples (12996 alleles) with coverage at this position. To date, this alteration has been detected with an allele frequency of approximately 0.005% (greater than 20000 alleles tested) in our clinical cohort. Based on the majority of available evidence to date, this variant is likely to be pathogenic.

NM_001370259.2(MEN1):c.1725del (p.Lys576fs)

Gene: MEN1 (menin 1; minus strand). Cytogenetic location: 11q13.1.
Variant type: Deletion.
Coding change: c.1725del on transcript NM_001370259.2 (MANE Select); coding-DNA position 1725, one base deleted (C; older notation c.1725delC).
Protein change: p.Lys576fs; shifts the reading frame from lysine 576.
Molecular consequence: frameshift variant.
Genome position (GRCh38, 1-based): chr11:64,804,442, G deleted on the plus strand (C on the coding strand, the reverse complement: MEN1 is on the minus strand). VCF-style (leftmost placement, unchanged base first): chr11-64804441-TG-T. GRCh37 (hg19) VCF-style: chr11-64571913-TG-T.
Other names: c.1740del, p.Lys581fs (NM_000244.4, NM_130800.3, NM_130801.3 and 3 more transcripts); c.1851del, p.Lys618fs (NM_001370251.2); c.1725del, p.Lys576fs (NM_001370260.2, NM_001370261.2, NM_130799.3); c.1620del, p.Lys541fs (NM_001370262.2, NM_001370263.2); c.1725delC (NM_130799.2); short protein forms K541fs, K618fs, K581fs, K576fs.
Identifiers: ClinVar variation 485727 (VCV000485727.6), dbSNP rs1555163124, ClinGen allele CA658656129.